The following is an entry in ClinVar:

NM_003803.4(MYOM1):c.1279C>T (p.Arg427Cys)

Gene: MYOM1 (myomesin 1; minus strand). Cytogenetic location: 18p11.31.
Variant type: single nucleotide variant.
Coding change: c.1279C>T on transcript NM_003803.4 (MANE Select); coding-DNA position 1279, C replaced by T.
Protein change: p.Arg427Cys; replaces arginine 427 with cysteine.
Molecular consequence: missense variant.
Genome position (GRCh38, 1-based): chr18:3,168,877, G>A on the plus strand (C>T on the coding strand, the complement: MYOM1 is on the minus strand). VCF-style: chr18-3168877-G-A. GRCh37 (hg19) VCF-style: chr18-3168875-G-A.
Other names: c.1279C>T, p.Arg427Cys (NM_019856.2); short protein forms R427C.
Identifiers: ClinVar variation 454427 (VCV000454427.15), dbSNP rs376648139, ClinGen allele CA8874996.

ClinVar aggregate classification (germline): Uncertain significance. Review status: criteria provided, multiple submitters, no conflicts (2 of 4 stars). 2 submissions from 2 submitters: Uncertain significance (2). Last evaluated 2025-07-31.

Conditions:
Hypertrophic cardiomyopathy. Also called: HYPERTROPHIC MYOCARDIOPATHY. Identifiers: Orphanet 217569, MedGen C0007194, MeSH D002312, MONDO:0005045, HP:0001639.

Allele frequency attached by ClinVar (database versions not stated): ExAC 0.00001; gnomAD exomes 0.00001; TOPMed 0.00002; gnomAD 0.00003; ESP Exome Variant Server 0.00008.

Submissions (2):

Ambry Genetics
Classification: Uncertain significance. Last evaluated: 2025-07-31. Review status: criteria provided, single submitter. Criteria: Ambry Variant Classification Scheme 2023. Collection method: clinical testing. Allele origin: germline.

Labcorp Genetics (formerly Invitae), Labcorp
Classification: Uncertain significance for Hypertrophic cardiomyopathy. Last evaluated: 2025-03-26. Review status: criteria provided, single submitter. Criteria: Invitae Variant Classification Sherloc (09022015). Collection method: clinical testing. Allele origin: germline.
Comment: This sequence change replaces arginine, which is basic and polar, with cysteine, which is neutral and slightly polar, at codon 427 of the MYOM1 protein (p.Arg427Cys). This variant is present in population databases (rs376648139, gnomAD 0.003%). This variant has not been reported in the literature in individuals affected with MYOM1-related conditions. ClinVar contains an entry for this variant (Variation ID: 454427). An algorithm developed to predict the effect of missense changes on protein structure and function (PolyPhen-2) suggests that this variant is likely to be disruptive. In summary, the available evidence is currently insufficient to determine the role of this variant in disease. Therefore, it has been classified as a Variant of Uncertain Significance.